The following is an entry in ClinVar:

NM_001267550.2(TTN):c.49794G>A (p.Trp16598Ter)

Genes: TTN (titin; minus strand), TTN-AS1 (TTN antisense RNA 1; plus strand). Cytogenetic location: 2q31.2.
Variant type: single nucleotide variant.
Coding change: c.49794G>A on transcript NM_001267550.2 (MANE Select); coding-DNA position 49794, G replaced by A.
Protein change: p.Trp16598Ter; replaces tryptophan 16598 with a stop codon.
Molecular consequence: nonsense.
Genome position (GRCh38, 1-based): chr2:178,612,927, C>T on the plus strand (G>A on the coding strand, the complement: TTN is on the minus strand). VCF-style: chr2-178612927-C-T. GRCh37 (hg19) VCF-style: chr2-179477654-C-T.
Other names: c.44871G>A, p.Trp14957Ter (NM_001256850.1); c.22599G>A, p.Trp7533Ter (NM_003319.4); c.42090G>A, p.Trp14030Ter (NM_133378.4); c.22974G>A, p.Trp7658Ter (NM_133432.3); c.23175G>A, p.Trp7725Ter (NM_133437.4); short protein forms W14030*, W14957*, W16598*, W7533*, W7658*, W7725*.
Identifiers: ClinVar variation 3764683 (VCV003764683.3).
Genomic context (GRCh38, chr2:178,612,927, plus strand): 5'-TCCTTCCATGAGCCCTGGGAGCAAGTGCTGAGTGGTGGGAACCCCTTCCGCCACTCTGAC[C>T]CACTCATCTGTTCCAGTCTTCAGCATTTCAATGACATAAGACTCAATCTTTGCACCTCCA-3'

ClinVar aggregate classification (germline): Likely pathogenic (1 of 4 stars; one submission).

Conditions:
Myopathy, myofibrillar, 9, with early respiratory failure (MFM9). Also called: Myopathy, distal, with early respiratory failure, autosomal dominant; Hereditary myopathy with early respiratory failure; EDSTROM MYOPATHY; MYOPATHY, PROXIMAL, WITH EARLY RESPIRATORY MUSCLE INVOLVEMENT. Identifiers: Orphanet 178464, Orphanet 34521, MedGen C1863599, MONDO:0011362, OMIM 603689.
Early-onset myopathy with fatal cardiomyopathy (CMYO5). Also called: CONGENITAL MYOPATHY 5 WITH CARDIOMYOPATHY; Salih Myopathy. Identifiers: Orphanet 289377, MedGen C2673677, MONDO:0012714, OMIM 611705. Disease mechanism: loss of function.
Dilated cardiomyopathy 1G (CMD1G). Identifiers: Orphanet 154, MedGen C1858763, MONDO:0011400, OMIM 604145.
Autosomal recessive limb-girdle muscular dystrophy type 2J (LGMDR10). Also called: MUSCULAR DYSTROPHY, LIMB-GIRDLE, AUTOSOMAL RECESSIVE 10; Limb-girdle muscular dystrophy, type 2J. Identifiers: Orphanet 140922, MedGen C1837342, MONDO:0012127, OMIM 608807.
Tibial muscular dystrophy (TMD). Also called: UDD MYOPATHY; Udd Distal Myopathy – Tibial Muscular Dystrophy; Tibial muscular dystrophy, tardive. Identifiers: Orphanet 609, MedGen C1838244, MONDO:0010870, OMIM 600334.
Hypertrophic cardiomyopathy 9. Also called: Familial hypertrophic cardiomyopathy 9. Identifiers: MedGen C1861065, MONDO:0013412, OMIM 613765.

Submission:

Juno Genomics, Hangzhou Juno Genomics, Inc
Classification: Likely pathogenic for Early-onset myopathy with fatal cardiomyopathy; Dilated cardiomyopathy 1G; Hypertrophic cardiomyopathy 9; Autosomal recessive limb-girdle muscular dystrophy type 2J; Myopathy, myofibrillar, 9, with early respiratory failure; Tibial muscular dystrophy. Review status: criteria provided, single submitter. Criteria: ACMG Guidelines, 2015. Collection method: clinical testing. Allele origin: germline.
Comment: Absent from controls (or at extremely low frequency if recessive) in Genome Aggregation Database.;Null variant in a gene where loss of function (LOF) is a known mechanism of disease.